The following is an entry in ClinVar:

ClinVar aggregate classification (germline): Uncertain significance (1 of 4 stars; one submission).

Submission:

GeneDx
Classification: Uncertain significance. Last evaluated: 2024-04-06. Review status: criteria provided, single submitter. Criteria: GeneDx Variant Classification Process June 2021. Collection method: clinical testing. Allele origin: germline. Affected: yes.
Comment: Not observed at significant frequency in large population cohorts (gnomAD); In silico analysis supports that this missense variant has a deleterious effect on protein structure/function; Has not been previously published as pathogenic or benign to our knowledge

NM_181332.3(NLGN4X):c.2327C>T (p.Pro776Leu)

Gene: NLGN4X (neuroligin 4 X-linked; minus strand). Cytogenetic location: Xp22.32.
Variant type: single nucleotide variant.
Coding change: c.2327C>T on transcript NM_181332.3 (MANE Select); coding-DNA position 2327, C replaced by T.
Protein change: p.Pro776Leu; replaces proline 776 with leucine.
Molecular consequence: missense variant.
Genome position (GRCh38, 1-based): chrX:5,892,941, G>A on the plus strand (C>T on the coding strand, the complement: NLGN4X is on the minus strand). VCF-style: chrX-5892941-G-A. GRCh37 (hg19) VCF-style: chrX-5810982-G-A.
Other names: c.2327C>T, p.Pro776Leu (NM_001282145.2, NM_001282146.2, NM_020742.4); short protein forms P776L.
Identifiers: ClinVar variation 3371994 (VCV003371994.1).